The following is an entry in ClinVar:

NM_024741.3(ZNF408):c.1871G>A (p.Arg624Gln)

Gene: ZNF408 (zinc finger protein 408; plus strand). Cytogenetic location: 11p11.2.
Variant type: single nucleotide variant.
Coding change: c.1871G>A on transcript NM_024741.3 (MANE Select); coding-DNA position 1871, G replaced by A.
Protein change: p.Arg624Gln; replaces arginine 624 with glutamine.
Molecular consequence: missense variant.
Genome position (GRCh38, 1-based): chr11:46,705,571, G>A. VCF-style: chr11-46705571-G-A. GRCh37 (hg19) VCF-style: chr11-46727121-G-A.
Other names: c.1847G>A, p.Arg616Gln (NM_001184751.2); short protein forms R616Q, R624Q.
Identifiers: ClinVar variation 1470632 (VCV001470632.8), dbSNP rs774737401, ClinGen allele CA5966660.

ClinVar aggregate classification (germline): Uncertain significance (1 of 4 stars; one submission).

Allele frequency attached by ClinVar (database versions not stated): gnomAD 0.00001; gnomAD exomes 0.00001; ExAC 0.00003.
gnomAD v4.1: 15 of 1,606,742 alleles (0.00093%); highest among the groups gnomAD compares: South Asian, 0.0077%; no homozygotes.

Submission:

Labcorp Genetics (formerly Invitae), Labcorp
Classification: Uncertain significance. Last evaluated: 2022-11-01. Review status: criteria provided, single submitter. Criteria: Invitae Variant Classification Sherloc (09022015). Collection method: clinical testing. Allele origin: germline.
Comment: ClinVar contains an entry for this variant (Variation ID: 1470632). Algorithms developed to predict the effect of missense changes on protein structure and function are either unavailable or do not agree on the potential impact of this missense change (SIFT: "Deleterious"; PolyPhen-2: "Probably Damaging"; Align-GVGD: "Class C0"). In summary, the available evidence is currently insufficient to determine the role of this variant in disease. Therefore, it has been classified as a Variant of Uncertain Significance. This variant has not been reported in the literature in individuals affected with ZNF408-related conditions. This sequence change replaces arginine, which is basic and polar, with glutamine, which is neutral and polar, at codon 624 of the ZNF408 protein (p.Arg624Gln). This variant is present in population databases (rs774737401, gnomAD 0.003%).